The following is an entry in ClinVar:

ClinVar aggregate classification (germline): Uncertain significance (1 of 4 stars; one submission).

Conditions:
Medulloblastoma (MDB). Also called: MEDULLOBLASTOMA PREDISPOSITION SYNDROME; Medulloblastoma, somatic. Identifiers: Orphanet 616, MedGen C0025149, MeSH D008527, MONDO:0007959, OMIM 155255, HP:0002885.
Gorlin syndrome. Also called: Nevoid Basal Cell Carcinoma Syndrome; Basal cell nevus syndrome. Identifiers: Orphanet 377, MedGen C0004779, MONDO:0007187.

Submission:

Labcorp Genetics (formerly Invitae), Labcorp
Classification: Uncertain significance for Gorlin syndrome; Medulloblastoma. Last evaluated: 2020-12-10. Review status: criteria provided, single submitter. Criteria: Invitae Variant Classification Sherloc (09022015). Collection method: clinical testing. Allele origin: germline.
Comment: In summary, the available evidence is currently insufficient to determine the role of this variant in disease. Therefore, it has been classified as a Variant of Uncertain Significance. Algorithms developed to predict the effect of missense changes on protein structure and function are either unavailable or do not agree on the potential impact of this missense change (SIFT: "Deleterious"; PolyPhen-2: "Possibly Damaging"; Align-GVGD: "Class C0"). This variant has not been reported in the literature in individuals with SUFU-related conditions. The frequency data for this variant in the population databases is considered unreliable, as metrics indicate insufficient coverage at this position in the ExAC database. This sequence change replaces proline with arginine at codon 6 of the SUFU protein (p.Pro6Arg). The proline residue is highly conserved and there is a moderate physicochemical difference between proline and arginine.

NM_016169.4(SUFU):c.17C>G (p.Pro6Arg)

Genes: SUFU (SUFU negative regulator of hedgehog signaling; plus strand), LOC130004614 (ATAC-STARR-seq lymphoblastoid silent region 2764; plus strand). Cytogenetic location: 10q24.32.
Variant type: single nucleotide variant.
Coding change: c.17C>G on transcript NM_016169.4 (MANE Select); coding-DNA position 17, C replaced by G.
Protein change: p.Pro6Arg; replaces proline 6 with arginine.
Molecular consequence: missense variant.
Genome position (GRCh38, 1-based): chr10:102,504,169, C>G. VCF-style: chr10-102504169-C-G. GRCh37 (hg19) VCF-style: chr10-104263926-C-G.
Other names: c.17C>G, p.Pro6Arg (NM_001178133.2); short protein forms P6R.
Identifiers: ClinVar variation 1054599 (VCV001054599.9), dbSNP rs2135597134, ClinGen allele CA377886100.
Genomic context (GRCh38, chr10:102,504,169, plus strand): 5'-GTTTGCCCTCTCCAGTTCCCCCAGTGCCTGCCCTACGCACCCCGATGGCGGAGCTGCGGC[C>G]TAGCGGCGCCCCCGGCCCCACCGCGCCCCCGGCCCCTGGCCCGACTGCCCCCCCGGCCTT-3'
Protein context (NP_057253.2, residues 1-16): MAELR[Pro6Arg]SGAPGPTAPP